The following is an entry in ClinVar:

NM_002242.4(KCNJ13):c.93G>A (p.Met31Ile)

Genes: GIGYF2 (GRB10 interacting GYF protein 2; plus strand), KCNJ13 (potassium inwardly rectifying channel subfamily J member 13; minus strand). Cytogenetic location: 2q37.1.
Variant type: single nucleotide variant.
Coding change: c.93G>A on transcript NM_002242.4 (MANE Select); coding-DNA position 93, G replaced by A.
Protein change: p.Met31Ile; replaces methionine 31 with isoleucine.
Molecular consequence: missense variant. On other transcripts: intron variant (5).
Genome position (GRCh38, 1-based): chr2:232,771,270, C>T on the plus strand (G>A on the coding strand, the complement: KCNJ13 is on the minus strand). VCF-style: chr2-232771270-C-T. GRCh37 (hg19) VCF-style: chr2-233635980-C-T.
Other names: c.93G>A, p.Met31Ile (NM_001172416.1); c.532+9834C>T (NM_001103146.3, NM_015575.4, NM_001103148.2); c.533-5142C>T (NM_001103147.2); c.-23-125G>A (NM_001172417.1); short protein forms M31I.
Identifiers: ClinVar variation 2193560 (VCV002193560.4), dbSNP rs539369632, ClinGen allele CA2170086.
Genomic context (GRCh38, chr2:232,771,270, plus strand): 5'-CATGTCCATTAGGATTCCCCAAGCATCTCGAAGATATGCAAGACCTCTTTGAGCGCCATC[C>T]ATTTGAAGTGTGCTGTGGCCATCCTTGGTGACCATCCTCCGGTATCTTTGACTTAGGAGA-3'
Protein context (NP_002233.2, residues 21-41): VTKDGHSTLQ[Met31Ile]DGAQRGLAYL

ClinVar aggregate classification (germline): Uncertain significance (1 of 4 stars; one submission).

Allele frequency attached by ClinVar (database versions not stated): ExAC 0.00001; gnomAD 0.00001; gnomAD exomes 0.00001.
gnomAD v4.1: 12 of 1,608,814 alleles (0.00075%); highest among the groups gnomAD compares: Non-Finnish European, 0.00093%; no homozygotes.

Submission:

Labcorp Genetics (formerly Invitae), Labcorp
Classification: Uncertain significance. Last evaluated: 2022-09-15. Review status: criteria provided, single submitter. Criteria: Invitae Variant Classification Sherloc (09022015). Collection method: clinical testing. Allele origin: germline.
Comment: In summary, the available evidence is currently insufficient to determine the role of this variant in disease. Therefore, it has been classified as a Variant of Uncertain Significance. Advanced modeling of protein sequence and biophysical properties (such as structural, functional, and spatial information, amino acid conservation, physicochemical variation, residue mobility, and thermodynamic stability) performed at Invitae indicates that this missense variant is not expected to disrupt KCNJ13 protein function. This variant has not been reported in the literature in individuals affected with KCNJ13-related conditions. This variant is present in population databases (rs539369632, gnomAD 0.002%). This sequence change replaces methionine, which is neutral and non-polar, with isoleucine, which is neutral and non-polar, at codon 31 of the KCNJ13 protein (p.Met31Ile).